The following is an entry in ClinVar:

NM_004341.5(CAD):c.2389G>C (p.Val797Leu)

Genes: CAD (carbamoyl-phosphate synthetase 2, aspartate transcarbamylase, and dihydroorotase; plus strand), LOC126806171 (BRD4-independent group 4 enhancer GRCh37_chr2:27454350-27455549; plus strand). Cytogenetic location: 2p23.3.
Variant type: single nucleotide variant.
Coding change: c.2389G>C on transcript NM_004341.5 (MANE Select); coding-DNA position 2389, G replaced by C.
Protein change: p.Val797Leu; replaces valine 797 with leucine.
Molecular consequence: missense variant.
Genome position (GRCh38, 1-based): chr2:27,231,569, G>C. VCF-style: chr2-27231569-G-C. GRCh37 (hg19) VCF-style: chr2-27454437-G-C.
Other names: c.2200G>C, p.Val734Leu (NM_001306079.2); short protein forms V734L, V797L.
Identifiers: ClinVar variation 1495610 (VCV001495610.5), dbSNP rs899769653, ClinGen allele CA44504737.

ClinVar aggregate classification (germline): Uncertain significance (1 of 4 stars; one submission).

Allele frequency attached by ClinVar (database versions not stated): gnomAD exomes 0.00001; gnomAD 0.00003.

Submission:

Labcorp Genetics (formerly Invitae), Labcorp
Classification: Uncertain significance. Last evaluated: 2022-07-22. Review status: criteria provided, single submitter. Criteria: Invitae Variant Classification Sherloc (09022015). Collection method: clinical testing. Allele origin: germline.
Comment: This sequence change replaces valine, which is neutral and non-polar, with leucine, which is neutral and non-polar, at codon 797 of the CAD protein (p.Val797Leu). This variant is present in population databases (no rsID available, gnomAD 0.02%). This variant has not been reported in the literature in individuals affected with CAD-related conditions. ClinVar contains an entry for this variant (Variation ID: 1495610). Algorithms developed to predict the effect of missense changes on protein structure and function (SIFT, PolyPhen-2, Align-GVGD) all suggest that this variant is likely to be tolerated. In summary, the available evidence is currently insufficient to determine the role of this variant in disease. Therefore, it has been classified as a Variant of Uncertain Significance.